The following is an entry in ClinVar:

ClinVar aggregate classification (germline): Uncertain significance. Review status: criteria provided, multiple submitters, no conflicts (2 of 4 stars). 2 submissions from 2 submitters: Uncertain significance (2). Last evaluated 2025-03-05.

Conditions:
Charcot-Marie-Tooth disease axonal type 2C (HMSN2C). Also called: CHARCOT-MARIE-TOOTH DISEASE, AXONAL, AUTOSOMAL DOMINANT, TYPE 2C; Charcot-Marie-Tooth Neuropathy Type 2C; Charcot-Marie-Tooth Disease Type 2, TRPV4-Related (CMT2C). Identifiers: Orphanet 99937, MedGen C1853710, MONDO:0011633, OMIM 606071.

Submissions (2):

Labcorp Genetics (formerly Invitae), Labcorp
Classification: Uncertain significance for Charcot-Marie-Tooth disease axonal type 2C. Last evaluated: 2025-03-05. Review status: criteria provided, single submitter. Criteria: Invitae Variant Classification Sherloc (09022015). Collection method: clinical testing. Allele origin: germline.
Comment: This variant, c.812_813insAAG, results in the insertion of 1 amino acid(s) of the TRPV4 protein (p.Arg271_Phe272insSer), but otherwise preserves the integrity of the reading frame. This variant is not present in population databases (gnomAD no frequency). This variant has been observed in individual(s) with clinical features of spondylometaphyseal dysplasia (internal data). Experimental studies and prediction algorithms are not available or were not evaluated, and the functional significance of this variant is currently unknown. In summary, the available evidence is currently insufficient to determine the role of this variant in disease. Therefore, it has been classified as a Variant of Uncertain Significance.

Greenwood Genetic Center Diagnostic Laboratories, Greenwood Genetic Center
Classification: Uncertain significance. Last evaluated: 2024-08-28. Review status: criteria provided, single submitter. Criteria: ACMG Guidelines, 2015. Collection method: clinical testing. Allele origin: germline. Affected: yes.
Comment: PM2, PM4

NM_021625.5(TRPV4):c.812_813insAAG (p.Arg271_Phe272insSer)

Gene: TRPV4 (transient receptor potential cation channel subfamily V member 4; minus strand). Cytogenetic location: 12q24.11.
Variant type: Insertion.
Coding change: c.812_813insAAG on transcript NM_021625.5 (MANE Select); coding-DNA positions 812 to 813, AAG inserted.
Protein change: p.Arg271_Phe272insSer.
Molecular consequence: inframe insertion. On other transcripts: inframe indel (2), intron variant (2).
Genome position: GRCh38 VCF-style: chr12-109800658-G-GCTT. GRCh37 (hg19) VCF-style: chr12-110238463-G-GCTT.
Other names: c.709_710insGAA, p.Arg237_Phe238insSer (NM_001177431.2); c.811_812insGAA, p.Arg271_Phe272insSer (NM_147204.3); c.713-1747_713-1746insGAA (NM_001177433.1, NM_001177428.1).
Identifiers: ClinVar variation 3765615 (VCV003765615.2).